The following is an entry in ClinVar:

NM_015459.5(ATL3):c.778G>A (p.Val260Ile)

Genes: LNCROPM (lncRNA regulator of PLAAT3 mediated phospholipid metabolism; plus strand), ATL3 (atlastin GTPase 3; minus strand). Cytogenetic location: 11q13.1.
Variant type: single nucleotide variant.
Coding change: c.778G>A on transcript NM_015459.5 (MANE Select); coding-DNA position 778, G replaced by A.
Protein change: p.Val260Ile; replaces valine 260 with isoleucine.
Molecular consequence: missense variant.
Genome position (GRCh38, 1-based): chr11:63,643,429, C>T on the plus strand (G>A on the coding strand, the complement: ATL3 is on the minus strand). VCF-style: chr11-63643429-C-T. GRCh37 (hg19) VCF-style: chr11-63410901-C-T.
Other names: c.724G>A, p.Val242Ile (NM_001290048.2); short protein forms V242I, V260I.
Identifiers: ClinVar variation 1760638 (VCV001760638.2), dbSNP rs1565274335, ClinGen allele CA381024314.

ClinVar aggregate classification (germline): Uncertain significance (1 of 4 stars; one submission).

Conditions:
Inborn genetic diseases. Identifiers: MedGen C0950123, MeSH D030342.

Allele frequency attached by ClinVar (database versions not stated): gnomAD exomes below 0.00001; TOPMed below 0.00001; gnomAD 0.00001.
gnomAD v4.1: 2 of 1,612,668 alleles (0.00012%); highest among the groups gnomAD compares: South Asian, 0.0011%; no homozygotes.

Submission:

Ambry Genetics
Classification: Uncertain significance for Inborn genetic diseases. Last evaluated: 2020-11-24. Review status: criteria provided, single submitter. Criteria: Ambry Variant Classification Scheme 2023. Collection method: clinical testing. Allele origin: germline.
Comment: The p.V260I variant (also known as c.778G>A), located in coding exon 8 of the ATL3 gene, results from a G to A substitution at nucleotide position 778. The valine at codon 260 is replaced by isoleucine, an amino acid with highly similar properties. This amino acid position is not well conserved in available vertebrate species, and isoleucine is the reference amino acid in other vertebrate species. In addition, this alteration is predicted to be tolerated by in silico analysis. Since supporting evidence is limited at this time, the clinical significance of this alteration remains unclear.